The following is an entry in ClinVar:

ClinVar aggregate classification (germline): Likely benign (1 of 4 stars; one submission).

Submission:

CeGaT Center for Human Genetics Tuebingen
Classification: Likely benign. Last evaluated: 2025-06-01. Review status: criteria provided, single submitter. Criteria: CeGaT Center For Human Genetics Tuebingen Variant Classification Criteria Version 2. Collection method: clinical testing. Allele origin: germline. Affected: yes. Observed: 1 variant allele.
Comment: NBPF10: BP4, BP7

NM_001302371.3(NBPF10):c.597C>T (p.Val199=)

Gene: NBPF10 (NBPF member 10; minus strand). Cytogenetic location: 1q21.1.
Variant type: single nucleotide variant.
Coding change: c.597C>T on transcript NM_001302371.3 (MANE Select); coding-DNA position 597, C replaced by T.
Protein change: p.Val199=; no amino-acid change (valine 199 retained).
Molecular consequence: synonymous variant.
Genome position (GRCh38, 1-based): chr1:146,139,990, G>A on the plus strand (C>T on the coding strand, the complement: NBPF10 is on the minus strand). VCF-style: chr1-146139990-G-A. GRCh37 (hg19) VCF-style: chr1-145298185-C-T.
Other names: c.597C>T, p.Val199= (NM_001039703.6).
Identifiers: ClinVar variation 3905285 (VCV003905285.10).